The following is an entry in ClinVar:

NM_006019.4(TCIRG1):c.1305+2T>C

Gene: TCIRG1 (T cell immune regulator 1, ATPase H+ transporting V0 subunit a3; plus strand). Cytogenetic location: 11q13.2.
Variant type: single nucleotide variant.
Coding change: c.1305+2T>C on transcript NM_006019.4 (MANE Select); the canonical splice donor site of the intron after coding-DNA position 1305, T replaced by C.
Molecular consequence: splice donor variant.
Genome position (GRCh38, 1-based): chr11:68,047,574, T>C. VCF-style: chr11-68047574-T-C. GRCh37 (hg19) VCF-style: chr11-67815041-T-C.
Other names: c.411+2T>C (NM_001351059.2); c.657+2T>C (NM_006053.4).
Identifiers: ClinVar variation 557548 (VCV000557548.14), dbSNP rs1554997818, ClinGen allele CA381582485.

ClinVar aggregate classification (germline): Pathogenic. Review status: criteria provided, multiple submitters, no conflicts (2 of 4 stars). 4 submissions from 4 submitters: Pathogenic (2). 2 of the submissions do not count toward it. Last evaluated 2025-11-03.

Conditions:
Autosomal recessive osteopetrosis 1. Also called: TCIRG1-Related Autosomal Recessive Osteopetrosis; TCIRG1-Related Osteopetrosis; ALBERS-SCHONBERG DISEASE, AUTOSOMAL RECESSIVE. Identifiers: Orphanet 667, MedGen C1850127, MONDO:0009815, OMIM 259700.

Submissions (4):

Labcorp Genetics (formerly Invitae), Labcorp
Classification: Pathogenic. Last evaluated: 2025-11-03. Review status: criteria provided, single submitter. Criteria: Invitae Variant Classification Sherloc (09022015). Collection method: clinical testing. Allele origin: germline.
Comment: This sequence change affects a donor splice site in intron 11 of the TCIRG1 gene. It is expected to disrupt RNA splicing. Variants that disrupt the donor or acceptor splice site typically lead to a loss of protein function (PMID: 16199547), and loss-of-function variants in TCIRG1 are known to be pathogenic (PMID: 10888887, 10942435, 11532986, 19448635). This variant is not present in population databases (gnomAD no frequency). Disruption of this splice site has been observed in individuals with osteopetrosis (PMID: 25829125; internal data). ClinVar contains an entry for this variant (Variation ID: 557548). Algorithms developed to predict the effect of sequence changes on RNA splicing suggest that this variant may disrupt the consensus splice site. For these reasons, this variant has been classified as Pathogenic.

Daryl Scott Lab, Baylor College of Medicine
Classification: Pathogenic for Autosomal recessive osteopetrosis 1. Last evaluated: 2024-01-01. Review status: criteria provided, single submitter. Criteria: ACMG Guidelines, 2015. Collection method: clinical testing. Allele origin: paternal. Observed: 1 heterozygote.
Comment: PVS1, PM2

Natera, Inc.
Classification: Likely pathogenic for Infantile malignant osteopetrosis. Last evaluated: 2021-06-10. Review status: no assertion criteria provided. Collection method: clinical testing. Allele origin: germline. Not counted in ClinVar's aggregate classification.

Counsyl
Classification: Likely pathogenic for Autosomal recessive osteopetrosis 1. Last evaluated: 2018-03-30. Review status: no assertion criteria provided. Collection method: clinical testing. Allele origin: unknown. Not counted in ClinVar's aggregate classification.

Literature cited by the submitters: PubMed 16199547 (cited by Labcorp Genetics (formerly Invitae), Labcorp); PubMed 10888887 (cited by Labcorp Genetics (formerly Invitae), Labcorp); PubMed 10942435 (cited by Labcorp Genetics (formerly Invitae), Labcorp); PubMed 11532986 (cited by Labcorp Genetics (formerly Invitae), Labcorp); PubMed 19448635 (cited by Labcorp Genetics (formerly Invitae), Labcorp); PubMed 25829125 (cited by Labcorp Genetics (formerly Invitae), Labcorp and Counsyl).